The following is an entry in ClinVar:

NM_006929.5(SKIC2):c.2792A>G (p.Lys931Arg)

Gene: SKIC2 (SKI2 subunit of superkiller complex; plus strand). Cytogenetic location: 6p21.33.
Variant type: single nucleotide variant.
Coding change: c.2792A>G on transcript NM_006929.5 (MANE Select); coding-DNA position 2792, A replaced by G.
Protein change: p.Lys931Arg; replaces lysine 931 with arginine.
Molecular consequence: missense variant.
Genome position (GRCh38, 1-based): chr6:31,968,016, A>G. VCF-style: chr6-31968016-A-G. GRCh37 (hg19) VCF-style: chr6-31935793-A-G.
Other names: short protein forms K931R.
Identifiers: ClinVar variation 1959447 (VCV001959447.5), dbSNP rs2482991094, ClinGen allele CA363478650.
Genomic context (GRCh38, chr6:31,968,016, plus strand): 5'-GGCCTTGTGACCACACCGTGGTCAAGCTCCAGCCAGGAGATATGGCTGCCATCACCACCA[A>G]GGTGCTCCGGGTGAATGGGGAGAAGATCTTGGAGGACTTCAGCAAGAGGCAGCAGCCAAA-3'
Protein context (NP_008860.4, residues 921-941): QPGDMAAITT[Lys931Arg]VLRVNGEKIL

ClinVar aggregate classification (germline): Uncertain significance (1 of 4 stars; one submission).

Submission:

Labcorp Genetics (formerly Invitae), Labcorp
Classification: Uncertain significance. Last evaluated: 2024-10-16. Review status: criteria provided, single submitter. Criteria: Invitae Variant Classification Sherloc (09022015). Collection method: clinical testing. Allele origin: germline.
Comment: This sequence change replaces lysine, which is basic and polar, with arginine, which is basic and polar, at codon 931 of the SKIV2L protein (p.Lys931Arg). This variant is not present in population databases (gnomAD no frequency). This variant has not been reported in the literature in individuals affected with SKIV2L-related conditions. ClinVar contains an entry for this variant (Variation ID: 1959447). An algorithm developed to predict the effect of missense changes on protein structure and function (PolyPhen-2) suggests that this variant is likely to be disruptive. In summary, the available evidence is currently insufficient to determine the role of this variant in disease. Therefore, it has been classified as a Variant of Uncertain Significance.